The following is an entry in ClinVar:

ClinVar aggregate classification (germline): Benign/Likely benign. Review status: criteria provided, multiple submitters, no conflicts (2 of 4 stars). 9 submissions from 9 submitters: Benign (8); Likely benign (1). Last evaluated 2026-02-04.

Conditions:
Primary ciliary dyskinesia. Also called: Ciliary dyskinesia. Identifiers: Orphanet 244, MedGen C0008780, MONDO:0016575, HP:0012265.

Allele frequency attached by ClinVar (database versions not stated): 1000 Genomes Project 0.46466; 1000 Genomes Project 30x 0.47267; ExAC 0.57030; TOPMed 0.57743; gnomAD 0.58968 and 0.59744; ESP Exome Variant Server 0.62256.
gnomAD v4.1: 1,021,484 of 1,613,386 alleles (63%); highest among the groups gnomAD compares: Non-Finnish European, 68%; 331,731 homozygotes.

Submissions (9):

Labcorp Genetics (formerly Invitae), Labcorp
Classification: Benign for Primary ciliary dyskinesia. Last evaluated: 2026-02-04. Review status: criteria provided, single submitter. Criteria: Invitae Variant Classification Sherloc (09022015). Collection method: clinical testing. Allele origin: germline.

Blueprint Genetics
Classification: Likely benign. Last evaluated: 2024-11-28. Review status: criteria provided, single submitter. Criteria: ACMG Guidelines, 2015. Collection method: clinical testing. Allele origin: germline.

Mayo Clinic Laboratories, Mayo Clinic
Classification: Benign. Last evaluated: 2022-04-26. Review status: criteria provided, single submitter. Criteria: ACMG Guidelines, 2015. Collection method: clinical testing. Allele origin: germline. Observed: 180 variant alleles.

GeneDx
Classification: Benign. Last evaluated: 2018-11-28. Review status: criteria provided, single submitter. Criteria: GeneDx Variant Classification Process June 2021. Collection method: clinical testing. Allele origin: germline. Affected: yes.

Ambry Genetics
Classification: Benign for Primary ciliary dyskinesia. Last evaluated: 2016-07-07. Review status: criteria provided, single submitter. Criteria: Ambry Variant Classification Scheme 2023. Collection method: clinical testing. Allele origin: germline.

Laboratory for Molecular Medicine, Mass General Brigham Personalized Medicine
Classification: Benign. Last evaluated: 2016-03-29. Review status: criteria provided, single submitter. Criteria: LMM Criteria. Collection method: clinical testing. Allele origin: germline.
Comment: Variant identified in a genome or exome case(s) and assessed due to predicted null impact of the variant or pathogenic assertions in the literature or databases. Disclaimer: This variant has not undergone full assessment. The following are preliminary notes: Frequency

Eurofins Ntd Llc (ga)
Classification: Benign. Last evaluated: 2015-12-09. Review status: criteria provided, single submitter. Criteria: EGL Classification Definitions 2015. Collection method: clinical testing. Allele origin: germline. Observed: 1 variant allele, 1 heterozygote.

Breakthrough Genomics
Classification: Benign. Review status: criteria provided, single submitter. Criteria: ACMG Guidelines, 2015. Collection method: not provided. Allele origin: germline. Inheritance: Autosomal recessive inheritance. Affected: yes.

PreventionGenetics, part of Exact Sciences
Classification: Benign. Review status: criteria provided, single submitter. Criteria: ACMG Guidelines, 2015. Collection method: clinical testing. Allele origin: germline.

NM_001364171.2(ODAD1):c.2019T>C (p.Ser673=)

Gene: ODAD1 (outer dynein arm docking complex subunit 1; minus strand). Cytogenetic location: 19q13.33.
Variant type: single nucleotide variant.
Coding change: c.2019T>C on transcript NM_001364171.2 (MANE Select); coding-DNA position 2019, T replaced by C.
Protein change: p.Ser673=; no amino-acid change (serine 673 retained).
Molecular consequence: synonymous variant.
Genome position (GRCh38, 1-based): chr19:48,297,081, A>G on the plus strand (T>C on the coding strand, the complement: ODAD1 is on the minus strand). VCF-style: chr19-48297081-A-G. GRCh37 (hg19) VCF-style: chr19-48800338-A-G.
Other names: p.Ser636=; c.1908T>C, p.Ser636= (NM_144577.4).
Identifiers: ClinVar variation 262496 (VCV000262496.24), dbSNP rs7252988, ClinGen allele CA9548503.